The following is an entry in ClinVar:

NM_000393.5(COL5A2):c.1787A>T (p.Asp596Val)

Gene: COL5A2 (collagen type V alpha 2 chain; minus strand). Cytogenetic location: 2q32.2.
Variant type: single nucleotide variant.
Coding change: c.1787A>T on transcript NM_000393.5 (MANE Select); coding-DNA position 1787, A replaced by T.
Protein change: p.Asp596Val; replaces aspartic acid 596 with valine.
Molecular consequence: missense variant.
Genome position (GRCh38, 1-based): chr2:189,063,254, T>A on the plus strand (A>T on the coding strand, the complement: COL5A2 is on the minus strand). VCF-style: chr2-189063254-T-A. GRCh37 (hg19) VCF-style: chr2-189927980-T-A.
Other names: c.1787A>T (NM_000393.3); short protein forms D596V.
Identifiers: ClinVar variation 1429972 (VCV001429972.7), dbSNP rs768939237, ClinGen allele CA349880159.

ClinVar aggregate classification (germline): Uncertain significance. Review status: criteria provided, multiple submitters, no conflicts (2 of 4 stars). 2 submissions from 2 submitters: Uncertain significance (2). Last evaluated 2025-09-16.

Conditions:
Familial thoracic aortic aneurysm and aortic dissection (TAAD). Also called: Thoracic aortic aneurysms and dissections. Identifiers: Orphanet 91387, MedGen C4707243, MONDO:0019625.
Ehlers-Danlos syndrome, classic type, 1 (EDSCL1). Also called: EHLERS-DANLOS SYNDROME, GRAVIS TYPE; EHLERS-DANLOS SYNDROME, SEVERE CLASSIC TYPE; Ehlers-Danlos syndrome, type 1; Ehlers-Danlos Syndrome, Classic Type, COL5A1-Related; EDS I. Identifiers: MedGen C0268335, MONDO:0019567, OMIM 130000.

Submissions (2):

Ambry Genetics
Classification: Uncertain significance for Familial thoracic aortic aneurysm and aortic dissection. Last evaluated: 2025-09-16. Review status: criteria provided, single submitter. Criteria: Ambry Variant Classification Scheme 2023. Collection method: clinical testing. Allele origin: germline.
Comment: The p.D596V variant (also known as c.1787A>T), located in coding exon 27 of the COL5A2 gene, results from an A to T substitution at nucleotide position 1787. The aspartic acid at codon 596 is replaced by valine, an amino acid with highly dissimilar properties. This amino acid position is highly conserved in available vertebrate species. In addition, this alteration is predicted to be deleterious by in silico analysis. Based on the available evidence, the clinical significance of this variant remains unclear.

Labcorp Genetics (formerly Invitae), Labcorp
Classification: Uncertain significance for Ehlers-Danlos syndrome, classic type, 1. Last evaluated: 2022-08-10. Review status: criteria provided, single submitter. Criteria: Invitae Variant Classification Sherloc (09022015). Collection method: clinical testing. Allele origin: germline.
Comment: This sequence change replaces aspartic acid, which is acidic and polar, with valine, which is neutral and non-polar, at codon 596 of the COL5A2 protein (p.Asp596Val). In summary, the available evidence is currently insufficient to determine the role of this variant in disease. Therefore, it has been classified as a Variant of Uncertain Significance. Advanced modeling of protein sequence and biophysical properties (such as structural, functional, and spatial information, amino acid conservation, physicochemical variation, residue mobility, and thermodynamic stability) performed at Invitae indicates that this missense variant is not expected to disrupt COL5A2 protein function. ClinVar contains an entry for this variant (Variation ID: 1429972). This variant has not been reported in the literature in individuals affected with COL5A2-related conditions. This variant is not present in population databases (gnomAD no frequency).